The following is an entry in ClinVar:

NM_000057.4(BLM):c.761A>G (p.Glu254Gly)

Gene: BLM (BLM RecQ like helicase; plus strand). Cytogenetic location: 15q26.1.
Variant type: single nucleotide variant.
Coding change: c.761A>G on transcript NM_000057.4 (MANE Select); coding-DNA position 761, A replaced by G.
Protein change: p.Glu254Gly; replaces glutamic acid 254 with glycine.
Molecular consequence: missense variant. On other transcripts: 5 prime UTR variant (1).
Genome position (GRCh38, 1-based): chr15:90,750,029, A>G. VCF-style: chr15-90750029-A-G. GRCh37 (hg19) VCF-style: chr15-91293259-A-G.
Other names: c.761A>G, p.Glu254Gly (NM_001287246.2, NM_001287247.2); c.-531A>G (NM_001287248.2); short protein forms E254G.
Identifiers: ClinVar variation 1759832 (VCV001759832.5), dbSNP rs2505394948, ClinGen allele CA393841503.

ClinVar aggregate classification (germline): Uncertain significance. Review status: criteria provided, multiple submitters, no conflicts (2 of 4 stars). 2 submissions from 2 submitters: Uncertain significance (2). Last evaluated 2025-02-19.

Conditions:
Hereditary cancer-predisposing syndrome. Also called: Neoplastic Syndromes, Hereditary; Tumor predisposition; Hereditary Cancer Syndrome; Hereditary neoplastic syndrome. Identifiers: Orphanet 140162, MedGen C0027672, MeSH D009386, MONDO:0015356.
Bloom syndrome (BLM). Also called: Bloom-Torre-Machacek syndrome. Identifiers: Orphanet 125, MedGen C0005859, MONDO:0008876, OMIM 210900.

Allele frequency attached by ClinVar (database versions not stated): gnomAD exomes below 0.00001.
gnomAD v4.1: 7 of 1,614,222 alleles (0.00043%); highest among the groups gnomAD compares: Non-Finnish European, 0.00059%; no homozygotes.

Submissions (2):

Labcorp Genetics (formerly Invitae), Labcorp
Classification: Uncertain significance for Bloom syndrome. Last evaluated: 2025-02-19. Review status: criteria provided, single submitter. Criteria: Invitae Variant Classification Sherloc (09022015). Collection method: clinical testing. Allele origin: germline.
Comment: This sequence change replaces glutamic acid, which is acidic and polar, with glycine, which is neutral and non-polar, at codon 254 of the BLM protein (p.Glu254Gly). This variant is not present in population databases (gnomAD no frequency). This variant has not been reported in the literature in individuals affected with BLM-related conditions. ClinVar contains an entry for this variant (Variation ID: 1759832). An algorithm developed to predict the effect of missense changes on protein structure and function outputs the following: PolyPhen-2: "Possibly Damaging". The glycine amino acid residue is found in multiple mammalian species, which suggests that this missense change does not adversely affect protein function. In summary, the available evidence is currently insufficient to determine the role of this variant in disease. Therefore, it has been classified as a Variant of Uncertain Significance.

Ambry Genetics
Classification: Uncertain significance for Hereditary cancer-predisposing syndrome. Last evaluated: 2025-01-10. Review status: criteria provided, single submitter. Criteria: Ambry Variant Classification Scheme 2023. Collection method: clinical testing. Allele origin: germline.
Comment: The p.E254G variant (also known as c.761A>G), located in coding exon 2 of the BLM gene, results from an A to G substitution at nucleotide position 761. The glutamic acid at codon 254 is replaced by glycine, an amino acid with similar properties. This amino acid position is conserved. In addition, this alteration is predicted to be tolerated by in silico analysis. Since supporting evidence is limited at this time, the clinical significance of this alteration remains unclear.